The following is an entry in ClinVar:

NM_005633.4(SOS1):c.1940+34T>C

Gene: SOS1 (SOS Ras/Rac guanine nucleotide exchange factor 1; minus strand). Cytogenetic location: 2p22.1.
Variant type: single nucleotide variant.
Coding change: c.1940+34T>C on transcript NM_005633.4 (MANE Select); 34 bases into the intron after coding-DNA position 1940, T replaced by C.
Molecular consequence: intron variant.
Genome position (GRCh38, 1-based): chr2:39,014,731, A>G on the plus strand (T>C on the coding strand, the complement: SOS1 is on the minus strand). VCF-style: chr2-39014731-A-G. GRCh37 (hg19) VCF-style: chr2-39241872-A-G.
Other names: c.1919+34T>C (NM_001382394.1); c.1940+34T>C (NM_001382395.1).
Identifiers: ClinVar variation 561379 (VCV000561379.1), dbSNP rs182069812, ClinGen allele CA1624511.

ClinVar aggregate classification (germline): Likely benign (1 of 4 stars; one submission).

Allele frequency attached by ClinVar (database versions not stated): gnomAD exomes 0.00060 and 0.00141; ExAC 0.00216; 1000 Genomes Project 0.00499; 1000 Genomes Project 30x 0.00578; ESP Exome Variant Server 0.00578; gnomAD 0.00617 and 0.00675; TOPMed 0.00696.
gnomAD v4.1: 1,561 of 1,177,678 alleles (0.13%); highest among the groups gnomAD compares: African/African-American, 2.2%; 18 homozygotes.

Submission:

GeneDx
Classification: Likely benign. Last evaluated: 2018-06-19. Review status: criteria provided, single submitter. Criteria: GeneDx Variant Classification (06012015). Collection method: clinical testing. Allele origin: germline. Affected: yes.
Comment: This variant is considered likely benign or benign based on one or more of the following criteria: it is a conservative change, it occurs at a poorly conserved position in the protein, it is predicted to be benign by multiple in silico algorithms, and/or has population frequency not consistent with disease.